The following is an entry in ClinVar:

NM_001042492.3(NF1):c.6290_6291insT (p.Ala2098fs)

Gene: NF1 (neurofibromin 1; plus strand). Cytogenetic location: 17q11.2.
Variant type: Insertion.
Coding change: c.6290_6291insT on transcript NM_001042492.3 (MANE Select); coding-DNA positions 6290 to 6291, T inserted.
Protein change: p.Ala2098fs; shifts the reading frame from alanine 2098.
Molecular consequence: frameshift variant.
Genome position: GRCh38 VCF-style: chr17-31336777-C-CT. GRCh37 (hg19) VCF-style: chr17-29663795-C-CT.
Other names: c.6227_6228insT, p.Ala2077fs (NM_000267.4); short protein forms A2077fs, A2098fs.
Identifiers: ClinVar variation 4860950 (VCV004860950.1).

ClinVar aggregate classification (germline): Pathogenic (1 of 4 stars; one submission).

Conditions:
Cardiovascular phenotype. Identifiers: MedGen CN230736.
Hereditary cancer-predisposing syndrome. Also called: Neoplastic Syndromes, Hereditary; Tumor predisposition; Hereditary Cancer Syndrome; Hereditary neoplastic syndrome. Identifiers: Orphanet 140162, MedGen C0027672, MeSH D009386, MONDO:0015356.

Submission:

Ambry Genetics
Classification: Pathogenic for Cardiovascular phenotype; Hereditary cancer-predisposing syndrome. Last evaluated: 2026-05-08. Review status: criteria provided, single submitter. Criteria: Ambry Variant Classification Scheme 2023. Collection method: clinical testing. Allele origin: germline.
Comment: The c.6227_6228insT pathogenic mutation, located in coding exon 41 of the NF1 gene, results from an insertion of one nucleotide at position 6227, causing a translational frameshift with a predicted alternate stop codon (p.A2077Sfs*22). This variant is considered to be rare based on population cohorts in the Genome Aggregation Database (gnomAD). This alteration is expected to result in loss of function by premature protein truncation or nonsense-mediated mRNA decay. As such, this alteration is interpreted as a disease-causing mutation.